The following is an entry in ClinVar:

ClinVar aggregate classification (germline): Uncertain significance (1 of 4 stars; one submission).

Conditions:
Hypertrophic cardiomyopathy. Also called: HYPERTROPHIC MYOCARDIOPATHY. Identifiers: Orphanet 217569, MedGen C0007194, MeSH D002312, MONDO:0005045, HP:0001639.

Allele frequency attached by ClinVar (database versions not stated): gnomAD exomes below 0.00001.
gnomAD v4.1: 1 of 1,585,964 alleles (0.000063%); highest among the groups gnomAD compares: Non-Finnish European, 0.000086%; no homozygotes.

Submission:

Labcorp Genetics (formerly Invitae), Labcorp
Classification: Uncertain significance for Hypertrophic cardiomyopathy. Last evaluated: 2021-09-26. Review status: criteria provided, single submitter. Criteria: Invitae Variant Classification Sherloc (09022015). Collection method: clinical testing. Allele origin: germline.
Comment: This sequence change replaces lysine with arginine at codon 600 of the MYBPC3 protein (p.Lys600Arg). The lysine residue is highly conserved and there is a small physicochemical difference between lysine and arginine. In summary, the available evidence is currently insufficient to determine the role of this variant in disease. Therefore, it has been classified as a Variant of Uncertain Significance. Algorithms developed to predict the effect of sequence changes on RNA splicing suggest that this variant may create or strengthen a splice site. Algorithms developed to predict the effect of missense changes on protein structure and function output the following: SIFT: "Deleterious"; PolyPhen-2: "Benign"; Align-GVGD: "Class C25". The arginine amino acid residue is found in multiple mammalian species, which suggests that this missense change does not adversely affect protein function. This variant has not been reported in the literature in individuals affected with MYBPC3-related conditions. This variant is not present in population databases (ExAC no frequency).

NM_000256.3(MYBPC3):c.1799A>G (p.Lys600Arg)

Gene: MYBPC3 (myosin binding protein C3; minus strand). Cytogenetic location: 11p11.2.
Variant type: single nucleotide variant.
Coding change: c.1799A>G on transcript NM_000256.3 (MANE Select); coding-DNA position 1799, A replaced by G.
Protein change: p.Lys600Arg; replaces lysine 600 with arginine.
Molecular consequence: missense variant.
Genome position (GRCh38, 1-based): chr11:47,341,236, T>C on the plus strand (A>G on the coding strand, the complement: MYBPC3 is on the minus strand). VCF-style: chr11-47341236-T-C. GRCh37 (hg19) VCF-style: chr11-47362787-T-C.
Other names: short protein forms K600R.
Identifiers: ClinVar variation 1508945 (VCV001508945.6), dbSNP rs2142859413, ClinGen allele CA380324067.
Genomic context (GRCh38, chr11:47,341,236, plus strand): 5'-CCCTCGGGCACAAAGCTGTAGTCAGCCTCGTCGGCAGGTGTGACGTCGTCAATGGTCAGT[T>C]TGTGGACCCTGCAGGGGAGCAGTGGCTCAGGGGACCCCACTGGGCCACACACCCCTGGCC-3'
Protein context (NP_000247.2, residues 590-610): IKVSHIGRVH[Lys600Arg]LTIDDVTPAD